The following is an entry in ClinVar:

ClinVar aggregate classification (germline): Likely pathogenic (1 of 4 stars; one submission).

Submission:

GeneDx
Classification: Likely pathogenic. Last evaluated: 2023-09-28. Review status: criteria provided, single submitter. Criteria: GeneDx Variant Classification Process June 2021. Collection method: clinical testing. Allele origin: germline. Affected: yes.
Comment: Canonical splice variant in the 5' region of the gene where loss-of-function has not been definitively established as a disease mechanism (PMID: 28179641); Not observed at significant frequency in large population cohorts (gnomAD); Has not been previously published as pathogenic or benign to our knowledge

NM_001372044.2(SHANK3):c.2219+2T>C

Gene: SHANK3 (SH3 and multiple ankyrin repeat domains 3; plus strand). Cytogenetic location: 22q13.33.
Variant type: single nucleotide variant.
Coding change: c.2219+2T>C on transcript NM_001372044.2 (MANE Select); the canonical splice donor site of the intron after coding-DNA position 2219, T replaced by C.
Molecular consequence: splice donor variant.
Genome position (GRCh38, 1-based): chr22:50,705,098, T>C. VCF-style: chr22-50705098-T-C. GRCh37 (hg19) VCF-style: chr22-51143526-T-C.
Identifiers: ClinVar variation 3340355 (VCV003340355.1).
Genomic context (GRCh38, chr22:50,705,098, plus strand): 5'-CGTCATGAAGGTTGTGTCTGTGACAAGGAAGCCAGAAGAGGACGGGGCTCGGCGCAGAGG[T>C]GAGGGGTCACGCTTCAGGCCTCTGTGCCCAAACTTTCCCCTGACCTTAGACCTTTGACTT-3'